The following is an entry in ClinVar:

NM_000414.4(HSD17B4):c.622+5G>A

Gene: HSD17B4 (hydroxysteroid 17-beta dehydrogenase 4; plus strand). Cytogenetic location: 5q23.1.
Variant type: single nucleotide variant.
Coding change: c.622+5G>A on transcript NM_000414.4 (MANE Select); 5 bases into the intron after coding-DNA position 622, G replaced by A.
Molecular consequence: intron variant.
Genome position (GRCh38, 1-based): chr5:119,479,026, G>A. VCF-style: chr5-119479026-G-A. GRCh37 (hg19) VCF-style: chr5-118814721-G-A.
Other names: c.697+5G>A (NM_001199291.3); c.202+5G>A (NM_001292028.2); c.550+5G>A (NM_001292027.2); c.568+5G>A (NM_001199292.2).
Identifiers: ClinVar variation 681160 (VCV000681160.10), dbSNP rs536487449, ClinGen allele CA3381896.

ClinVar aggregate classification (germline): Conflicting classifications of pathogenicity. Review status: criteria provided, conflicting classifications (1 of 4 stars). 6 submissions from 5 submitters: Uncertain significance (3); Likely benign (2). 1 of the submissions does not count toward it. Last evaluated 2025-03-07.

Conditions:
Perrault syndrome 1 (PRLTS1). Also called: GONADAL DYSGENESIS, XX TYPE, WITH DEAFNESS; OVARIAN DYSGENESIS WITH SENSORINEURAL DEAFNESS. Identifiers: Orphanet 2855, Orphanet 642945, MedGen C4551721, MONDO:0009300, OMIM 233400.
Bifunctional peroxisomal enzyme deficiency (DBIF). Also called: DBP DEFICIENCY; D-bifunctional protein deficiency; PBFE DEFICIENCY. Identifiers: Orphanet 300, MedGen C0342870, MONDO:0009855, OMIM 261515. Disease mechanism: loss of function.
HSD17B4-related disorder. Also called: HSD17B4-related disorders; HSD17B4-related condition.
Perrault syndrome. Also called: Gonadal dysgenesis with auditory dysfunction, autosomal recessive inheritance. Identifiers: Orphanet 2855, MedGen C0685838, MONDO:0017312.

Allele frequency attached by ClinVar (database versions not stated): ExAC 0.00002; gnomAD exomes 0.00002 and 0.00003; TOPMed 0.00003; gnomAD 0.00006; 1000 Genomes Project 0.00020.
gnomAD v4.1: 56 of 1,608,818 alleles (0.0035%); highest among the groups gnomAD compares: Middle Eastern, 0.05%; no homozygotes.

Submissions (6):

PreventionGenetics, part of Exact Sciences
Classification: Likely benign for HSD17B4-related condition. Last evaluated: 2025-03-07. Review status: criteria provided, single submitter. Criteria: ACMG Guidelines, 2015. Collection method: clinical testing. Allele origin: germline.
Comment: This variant is classified as likely benign based on ACMG/AMP sequence variant interpretation guidelines (Richards et al. 2015 PMID: 25741868, with internal and published modifications).

Labcorp Genetics (formerly Invitae), Labcorp
Classification: Uncertain significance for Perrault syndrome; Bifunctional peroxisomal enzyme deficiency. Last evaluated: 2022-06-20. Review status: criteria provided, single submitter. Criteria: Invitae Variant Classification Sherloc (09022015). Collection method: clinical testing. Allele origin: germline.
Comment: This sequence change falls in intron 8 of the HSD17B4 gene. It does not directly change the encoded amino acid sequence of the HSD17B4 protein. It affects a nucleotide within the consensus splice site. This variant is present in population databases (rs536487449, gnomAD 0.01%). This variant has not been reported in the literature in individuals affected with HSD17B4-related conditions. ClinVar contains an entry for this variant (Variation ID: 681160). Variants that disrupt the consensus splice site are a relatively common cause of aberrant splicing (PMID: 17576681, 9536098). Algorithms developed to predict the effect of sequence changes on RNA splicing suggest that this variant is not likely to affect RNA splicing. In summary, the available evidence is currently insufficient to determine the role of this variant in disease. Therefore, it has been classified as a Variant of Uncertain Significance.

GeneDx
Classification: Likely benign. Last evaluated: 2019-05-06. Review status: criteria provided, single submitter. Criteria: GeneDx Variant Classification Process June 2021. Collection method: clinical testing. Allele origin: germline. Affected: yes.

Illumina Laboratory Services, Illumina
Classification: Uncertain significance for Perrault syndrome 1. Last evaluated: 2018-01-12. Review status: criteria provided, single submitter. Criteria: ICSL Variant Classification Criteria 13 December 2019. Collection method: clinical testing. Allele origin: germline.

Illumina Laboratory Services, Illumina
Classification: Uncertain significance for Bifunctional peroxisomal enzyme deficiency. Last evaluated: 2018-01-12. Review status: criteria provided, single submitter. Criteria: ICSL Variant Classification Criteria 13 December 2019. Collection method: clinical testing. Allele origin: germline.

Natera, Inc.
Classification: Uncertain significance for Bifunctional peroxisomal enzyme deficiency. Last evaluated: 2019-11-11. Review status: no assertion criteria provided. Collection method: clinical testing. Allele origin: germline. Not counted in ClinVar's aggregate classification.

Literature cited by the submitters: PubMed 17576681 (cited by Labcorp Genetics (formerly Invitae), Labcorp); PubMed 9536098 (cited by Labcorp Genetics (formerly Invitae), Labcorp).